The following is an entry in ClinVar:

ClinVar aggregate classification (germline): Uncertain significance. Review status: criteria provided, multiple submitters, no conflicts (2 of 4 stars). 2 submissions from 2 submitters: Uncertain significance (2). Last evaluated 2024-05-15.

Conditions:
Neuroblastoma, susceptibility to, 3. Also called: ALK-Related Neuroblastic Tumor Susceptibility. Identifiers: Orphanet 635, MedGen C2751681, MONDO:0013083, OMIM 613014.
Hereditary cancer-predisposing syndrome. Also called: Hereditary neoplastic syndrome; Neoplastic Syndromes, Hereditary; Hereditary Cancer Syndrome; Tumor predisposition. Identifiers: Orphanet 140162, MedGen C0027672, MeSH D009386, MONDO:0015356.

Submissions (2):

Ambry Genetics
Classification: Uncertain significance for Hereditary cancer-predisposing syndrome. Last evaluated: 2024-05-15. Review status: criteria provided, single submitter. Criteria: Ambry Variant Classification Scheme 2023. Collection method: clinical testing. Allele origin: germline.
Comment: The p.G914A variant (also known as c.2741G>C), located in coding exon 16 of the ALK gene, results from a G to C substitution at nucleotide position 2741. The glycine at codon 914 is replaced by alanine, an amino acid with similar properties. This amino acid position is conserved. In addition, the in silico prediction for this alteration is inconclusive. Based on the available evidence, the clinical significance of this variant remains unclear.

Labcorp Genetics (formerly Invitae), Labcorp
Classification: Uncertain significance for Neuroblastoma, susceptibility to, 3. Last evaluated: 2023-06-22. Review status: criteria provided, single submitter. Criteria: Invitae Variant Classification Sherloc (09022015). Collection method: clinical testing. Allele origin: germline.
Comment: An algorithm developed to predict the effect of missense changes on protein structure and function (PolyPhen-2) suggests that this variant is likely to be disruptive. In summary, the available evidence is currently insufficient to determine the role of this variant in disease. Therefore, it has been classified as a Variant of Uncertain Significance. Algorithms developed to predict the effect of sequence changes on RNA splicing suggest that this variant may disrupt the consensus splice site. This variant has not been reported in the literature in individuals affected with ALK-related conditions. This variant is not present in population databases (gnomAD no frequency). This sequence change replaces glycine, which is neutral and non-polar, with alanine, which is neutral and non-polar, at codon 914 of the ALK protein (p.Gly914Ala).

NM_004304.5(ALK):c.2741G>C (p.Gly914Ala)

Gene: ALK (ALK receptor tyrosine kinase; minus strand). Cytogenetic location: 2p23.2.
Variant type: single nucleotide variant.
Coding change: c.2741G>C on transcript NM_004304.5 (MANE Select); coding-DNA position 2741, G replaced by C.
Protein change: p.Gly914Ala; replaces glycine 914 with alanine.
Molecular consequence: missense variant.
Genome position (GRCh38, 1-based): chr2:29,228,958, C>G on the plus strand (G>C on the coding strand, the complement: ALK is on the minus strand). VCF-style: chr2-29228958-C-G. GRCh37 (hg19) VCF-style: chr2-29451824-C-G.
Other names: c.2741G>C (NM_004304.4); short protein forms G914A.
Identifiers: ClinVar variation 2723916 (VCV002723916.4), dbSNP rs1358074797, ClinGen allele CA346469735.